The following is an entry in ClinVar:

ClinVar aggregate classification (germline): Uncertain significance (1 of 4 stars; one submission).

Conditions:
Emery-Dreifuss muscular dystrophy 5, autosomal dominant (EDMD5). Also called: EMERY-DREIFUSS MUSCULAR DYSTROPHY 5. Identifiers: Orphanet 261, MedGen C2751805, MONDO:0013072, OMIM 612999.

Submission:

Labcorp Genetics (formerly Invitae), Labcorp
Classification: Uncertain significance for Emery-Dreifuss muscular dystrophy 5, autosomal dominant. Last evaluated: 2025-11-25. Review status: criteria provided, single submitter. Criteria: Invitae Variant Classification Sherloc (09022015). Collection method: clinical testing. Allele origin: germline.
Comment: This sequence change replaces glutamic acid, which is acidic and polar, with lysine, which is basic and polar, at codon 4134 of the SYNE2 protein (p.Glu4134Lys). This variant is not present in population databases (gnomAD no frequency). This variant has not been reported in the literature in individuals affected with SYNE2-related conditions. An algorithm developed to predict the effect of missense changes on protein structure and function outputs the following: PolyPhen-2: "Benign". The lysine amino acid residue is found in multiple mammalian species, which suggests that this missense change does not adversely affect protein function. In summary, the available evidence is currently insufficient to determine the role of this variant in disease. Therefore, it has been classified as a Variant of Uncertain Significance.

NM_182914.3(SYNE2):c.12400G>A (p.Glu4134Lys)

Gene: SYNE2 (spectrin repeat containing nuclear envelope protein 2; plus strand). Cytogenetic location: 14q23.2.
Variant type: single nucleotide variant.
Coding change: c.12400G>A on transcript NM_182914.3 (MANE Select); coding-DNA position 12400, G replaced by A.
Protein change: p.Glu4134Lys; replaces glutamic acid 4134 with lysine.
Molecular consequence: missense variant.
Genome position (GRCh38, 1-based): chr14:64,101,950, G>A. VCF-style: chr14-64101950-G-A. GRCh37 (hg19) VCF-style: chr14-64568668-G-A.
Other names: c.12400G>A, p.Glu4134Lys (NM_015180.6); short protein forms E4134K.
Identifiers: ClinVar variation 4704485 (VCV004704485.1).